The following is an entry in ClinVar:

ClinVar aggregate classification (germline): Uncertain significance (1 of 4 stars; one submission).

Conditions:
Cardiovascular phenotype. Identifiers: MedGen CN230736.

Allele frequency attached by ClinVar (database versions not stated): gnomAD exomes below 0.00001.
gnomAD v4.1: 2 of 1,586,478 alleles (0.00013%); highest among the groups gnomAD compares: Admixed American, 0.0018%; no homozygotes.

Submission:

Ambry Genetics
Classification: Uncertain significance for Cardiovascular phenotype. Last evaluated: 2023-06-08. Review status: criteria provided, single submitter. Criteria: Ambry Variant Classification Scheme 2023. Collection method: clinical testing. Allele origin: germline.
Comment: The p.P1149S variant (also known as c.3445C>T), located in coding exon 15 of the KCNH2 gene, results from a C to T substitution at nucleotide position 3445. The proline at codon 1149 is replaced by serine, an amino acid with similar properties. This amino acid position is highly conserved in available vertebrate species. In addition, the in silico prediction for this alteration is inconclusive. Since supporting evidence is limited at this time, the clinical significance of this alteration remains unclear.

NM_000238.4(KCNH2):c.3445C>T (p.Pro1149Ser)

Gene: KCNH2 (potassium voltage-gated channel subfamily H member 2; minus strand). Cytogenetic location: 7q36.1.
Variant type: single nucleotide variant.
Coding change: c.3445C>T on transcript NM_000238.4 (MANE Select); coding-DNA position 3445, C replaced by T.
Protein change: p.Pro1149Ser; replaces proline 1149 with serine.
Molecular consequence: missense variant. On other transcripts: non-coding transcript variant (2).
Genome position (GRCh38, 1-based): chr7:150,945,400, G>A on the plus strand (C>T on the coding strand, the complement: KCNH2 is on the minus strand). VCF-style: chr7-150945400-G-A. GRCh37 (hg19) VCF-style: chr7-150642488-G-A.
Other names: c.3157C>T, p.Pro1053Ser (NM_001406753.1); c.2425C>T, p.Pro809Ser (NM_172057.3); short protein forms P1149S, P809S, P1053S.
Identifiers: ClinVar variation 2567295 (VCV002567295.2), dbSNP rs2485994640, ClinGen allele CA369851403.
Genomic context (GRCh38, chr7:150,945,400, plus strand): 5'-CACGTGTCCACACTGGGCAGCCCCACTAACTGCCCGGGTCCGAGCCGTGTCTGTGCAGGG[G>A]CTGGGAGGTGAGGGCCCCCAGCTGGCCCGGTAGGGAGAGGCGTCGTGTGGGGCCTTCTTG-3'
Protein context (NP_000229.1, residues 1139-1159): PGQLGALTSQ[Pro1149Ser]LHRHGSDPGS